The following is an entry in ClinVar:

NM_001127222.2(CACNA1A):c.3244C>T (p.His1082Tyr)

Gene: CACNA1A (calcium voltage-gated channel subunit alpha1 A; minus strand). Cytogenetic location: 19p13.13.
Variant type: single nucleotide variant.
Coding change: c.3244C>T on transcript NM_001127222.2 (MANE Select); coding-DNA position 3244, C replaced by T.
Protein change: p.His1082Tyr; replaces histidine 1082 with tyrosine.
Molecular consequence: missense variant.
Genome position (GRCh38, 1-based): chr19:13,286,812, G>A on the plus strand (C>T on the coding strand, the complement: CACNA1A is on the minus strand). VCF-style: chr19-13286812-G-A. GRCh37 (hg19) VCF-style: chr19-13397626-G-A.
Other names: c.3256C>T, p.His1086Tyr (NM_000068.4, NM_023035.3); c.3247C>T, p.His1083Tyr (NM_001127221.2, NM_001174080.2); short protein forms H1082Y, H1083Y, H1086Y.
Identifiers: ClinVar variation 4536818 (VCV004536818.1).
Genomic context (GRCh38, chr19:13,286,812, plus strand): 5'-CGGTGCTGTTTCCCATCTTGGCTGGGCTCTGGGGCAGGCCGGCGTGGCCAAGGCTGCCGT[G>A]GGGAGCGGCCGACTCCGCGGTGGCCAGCTTGTTGTTCTTCATGTTGTCAATATCCTCTGC-3'
Protein context (NP_001120694.1, residues 1072-1092): KLATAESAAP[His1082Tyr]GSLGHAGLPQ

ClinVar aggregate classification (germline): Uncertain significance (1 of 4 stars; one submission).

gnomAD v4.1: 6 of 1,613,418 alleles (0.00037%); highest among the groups gnomAD compares: East Asian, 0.0089%; no homozygotes.

Submission:

Women's Health and Genetics/Laboratory Corporation of America, LabCorp
Classification: Uncertain significance. Last evaluated: 2025-11-11. Review status: criteria provided, single submitter. Criteria: LabCorp Variant Classification Summary - May 2015. Collection method: clinical testing. Allele origin: germline.
Comment: Variant summary: CACNA1A c.3247C>T (p.His1083Tyr) results in a conservative amino acid change in the encoded protein sequence. Algorithms developed to predict the effect of missense changes on protein structure and function are either unavailable or do not agree on the potential impact of this missense change. The variant allele was found at a frequency of 1.2e-05 in 245224 control chromosomes. The available data on variant occurrences in the general population are insufficient to allow any conclusion about variant significance. To our knowledge, no occurrence of c.3247C>T in individuals affected with CACNA1A-related conditions and no experimental evidence demonstrating its impact on protein function have been reported. No submitters have cited clinical-significance assessments for this variant to ClinVar. Based on the evidence outlined above, the variant was classified as uncertain significance.